The following is an entry in ClinVar:

NM_017780.4(CHD7):c.2229_2230insCC (p.Gly744fs)

Gene: CHD7 (chromodomain helicase DNA binding protein 7; plus strand). Cytogenetic location: 8q12.2.
Variant type: Insertion.
Coding change: c.2229_2230insCC on transcript NM_017780.4 (MANE Select); coding-DNA positions 2229 to 2230, CC inserted.
Protein change: p.Gly744fs; shifts the reading frame from glycine 744.
Molecular consequence: frameshift variant. On other transcripts: intron variant (1).
Genome position: GRCh38 VCF-style: chr8-60795118-A-ACC. GRCh37 (hg19) VCF-style: chr8-61707677-A-ACC.
Other names: c.1716+14068_1716+14069insCC (NM_001316690.1); short protein forms G744fs.
Identifiers: ClinVar variation 579768 (VCV000579768.6), dbSNP rs1563607193, ClinGen allele CA891843170.
Genomic context (GRCh38, chr8:60,795,118, plus strand): 5'-AAATTCAGACTTAGACAAAACACCCCCACCATCTCCTCCTCCTGAAGAAGATGAGGACCC[A>ACC]GGTGTTCAGGTAATACAATTATTGTGATTCCCGAGCCTTGGTTATTTGGCATGGGTAACT-3'

ClinVar aggregate classification (germline): Pathogenic (1 of 4 stars; one submission).

Conditions:
CHARGE syndrome (CHARGE). Also called: Hittner Hirsch Kreh syndrome; Coloboma, heart anomaly, choanal atresia, retardation, genital and ear anomalies; CHARGE association; Hall-Hittner syndrome; CHARGE ASSOCIATION--COLOBOMA, HEART ANOMALY, CHOANAL ATRESIA, RETARDATION, GENITAL AND EAR ANOMALIES. Identifiers: Orphanet 138, MedGen C0265354, MONDO:0008965.

Submission:

Labcorp Genetics (formerly Invitae), Labcorp
Classification: Pathogenic for CHARGE syndrome. Last evaluated: 2017-09-06. Review status: criteria provided, single submitter. Criteria: Invitae Variant Classification Sherloc (09022015). Collection method: clinical testing. Allele origin: germline.
Comment: For these reasons, this variant has been classified as Pathogenic. Loss-of-function variants in CHD7 are known to be pathogenic (PMID: 22461308, 25077900). This variant has not been reported in the literature in individuals with CHD7-related disease. This variant is not present in population databases (ExAC no frequency). This sequence change creates a premature translational stop signal (p.Gly744Profs*12) in the CHD7 gene. It is expected to result in an absent or disrupted protein product.

Literature cited by the submitters: PubMed 22461308; PubMed 25077900.